The following is an entry in ClinVar:

NM_001042750.2(STAG2):c.3780A>T (p.Glu1260Asp)

Gene: STAG2 (STAG2 cohesin complex component; plus strand). Cytogenetic location: Xq25.
Variant type: single nucleotide variant.
Coding change: c.3780A>T on transcript NM_001042750.2 (MANE Select); coding-DNA position 3780, A replaced by T.
Protein change: p.Glu1260Asp; replaces glutamic acid 1260 with aspartic acid.
Molecular consequence: missense variant.
Genome position (GRCh38, 1-based): chrX:124,095,446, A>T. VCF-style: chrX-124095446-A-T. GRCh37 (hg19) VCF-style: chrX-123229296-A-T.
Other names: c.3780A>T, p.Glu1260Asp (NM_001042749.2, NM_001375366.1, NM_001375367.1 and 5 more transcripts); c.3669A>T, p.Glu1223Asp (NM_001042751.2, NM_001282418.2, NM_001375373.1 and 5 more transcripts); short protein forms E1223D, E1260D.
Identifiers: ClinVar variation 1601030 (VCV001601030.34), dbSNP rs201262699, ClinGen allele CA10509209.

ClinVar aggregate classification (germline): Benign/Likely benign. Review status: criteria provided, multiple submitters, no conflicts (2 of 4 stars). 4 submissions from 4 submitters: Benign (1); Likely benign (3). Last evaluated 2026-04-01.

Allele frequency attached by ClinVar (database versions not stated): TOPMed 0.00009; gnomAD exomes 0.00012 and 0.00018; gnomAD 0.00014; ESP Exome Variant Server 0.00019; ExAC 0.00022.
gnomAD v4.1: 146 of 1,193,172 alleles (0.012%); highest among the groups gnomAD compares: Non-Finnish European, 0.013%; no homozygotes.

Submissions (4):

CeGaT Center for Human Genetics Tuebingen
Classification: Likely benign. Last evaluated: 2026-04-01. Review status: criteria provided, single submitter. Criteria: CeGaT Center For Human Genetics Tuebingen Variant Classification Criteria Version 2. Collection method: clinical testing. Allele origin: germline. Affected: yes. Observed: 4 variant alleles.
Comment: STAG2: BS2

Labcorp Genetics (formerly Invitae), Labcorp
Classification: Benign. Last evaluated: 2025-12-05. Review status: criteria provided, single submitter. Criteria: Invitae Variant Classification Sherloc (09022015). Collection method: clinical testing. Allele origin: germline.

Laboratory of Genetics, Children's Clinical University Hospital Latvia
Classification: Likely benign. Last evaluated: 2025-02-16. Review status: criteria provided, single submitter. Criteria: ACMG Guidelines, 2015. Collection method: clinical testing. Allele origin: germline. Affected: yes.

Blueprint Genetics
Classification: Likely benign. Last evaluated: 2024-10-22. Review status: criteria provided, single submitter. Criteria: ACMG Guidelines, 2015. Collection method: clinical testing. Allele origin: germline.